The following is an entry in ClinVar:

NM_002230.4(JUP):c.1193A>G (p.Asn398Ser)

Gene: JUP (junction plakoglobin; minus strand). Cytogenetic location: 17q21.2.
Variant type: single nucleotide variant.
Coding change: c.1193A>G on transcript NM_002230.4 (MANE Select); coding-DNA position 1193, A replaced by G.
Protein change: p.Asn398Ser; replaces asparagine 398 with serine.
Molecular consequence: missense variant.
Genome position (GRCh38, 1-based): chr17:41,763,287, T>C on the plus strand (A>G on the coding strand, the complement: JUP is on the minus strand). VCF-style: chr17-41763287-T-C. GRCh37 (hg19) VCF-style: chr17-39919539-T-C.
Other names: c.1193A>G, p.Asn398Ser (NM_001352773.2, NM_001352774.2, NM_001352775.2 and 3 more transcripts); short protein forms N398S.
Identifiers: ClinVar variation 2939752 (VCV002939752.3), dbSNP rs2544110768, ClinGen allele CA399498108.

ClinVar aggregate classification (germline): Uncertain significance (1 of 4 stars; one submission).

Conditions:
Arrhythmogenic right ventricular dysplasia 12. Also called: ARRHYTHMOGENIC RIGHT VENTRICULAR DYSPLASIA, FAMILIAL, 12. Identifiers: MedGen C1969081, MONDO:0012684, OMIM 611528.
Naxos disease (NXD). Also called: KERATOSIS PALMOPLANTARIS WITH ARRHYTHMOGENIC CARDIOMYOPATHY; MAL DE NAXOS; PALMOPLANTAR KERATODERMA WITH ARRHYTHMOGENIC RIGHT VENTRICULAR CARDIOMYOPATHY AND WOOLLY HAIR; WOOLLY HAIR, PALMOPLANTAR KERATODERMA, AND CARDIAC ABNORMALITIES; CARDIOMYOPATHY, ARRHYTHMOGENIC RIGHT VENTRICULAR, WITH SKIN, HAIR, AND NAIL ABNORMALITIES. Identifiers: Orphanet 34217, MedGen C1832600, MONDO:0011017, OMIM 601214.

Submission:

Labcorp Genetics (formerly Invitae), Labcorp
Classification: Uncertain significance for Arrhythmogenic right ventricular dysplasia 12; Naxos disease. Last evaluated: 2023-08-08. Review status: criteria provided, single submitter. Criteria: Invitae Variant Classification Sherloc (09022015). Collection method: clinical testing. Allele origin: germline.
Comment: In summary, the available evidence is currently insufficient to determine the role of this variant in disease. Therefore, it has been classified as a Variant of Uncertain Significance. An algorithm developed to predict the effect of missense changes on protein structure and function (PolyPhen-2) suggests that this variant is likely to be tolerated. This variant has not been reported in the literature in individuals affected with JUP-related conditions. This variant is not present in population databases (gnomAD no frequency). This sequence change replaces asparagine, which is neutral and polar, with serine, which is neutral and polar, at codon 398 of the JUP protein (p.Asn398Ser).